The following is an entry in ClinVar:

ClinVar aggregate classification (germline): Uncertain significance. Review status: criteria provided, multiple submitters, no conflicts (2 of 4 stars). 4 submissions from 4 submitters: Uncertain significance (4). Last evaluated 2023-11-02.

Conditions:
Familial thoracic aortic aneurysm and aortic dissection (TAAD). Also called: Thoracic aortic aneurysms and dissections. Identifiers: Orphanet 91387, MedGen C4707243, MONDO:0019625.
Loeys-Dietz syndrome 2 (LDS2). Also called: TGFBR2-Related Loeys-Dietz Syndrome; AORTIC ANEURYSM, FAMILIAL THORACIC 3; MARFAN SYNDROME, TYPE II; Marfan Syndrome type 2; Marfan like connective tissue disorder; MFS 2. Identifiers: Orphanet 284973, Orphanet 558, MedGen C2674574, MONDO:0012427, OMIM 610168.

Allele frequency attached by ClinVar (database versions not stated): gnomAD exomes below 0.00001; ExAC 0.00001; gnomAD 0.00001; TOPMed 0.00002.
gnomAD v4.1: 4 of 1,614,070 alleles (0.00025%); highest among the groups gnomAD compares: East Asian, 0.0022%; no homozygotes.

Submissions (4):

All of Us Research Program, National Institutes of Health
Classification: Uncertain significance for Loeys-Dietz syndrome 2. Last evaluated: 2023-11-02. Review status: criteria provided, single submitter. Criteria: ACMG Guidelines, 2015. Collection method: clinical testing. Allele origin: germline. Inheritance: Autosomal dominant inheritance. Observed: 1 variant allele, 1 heterozygote.
Comment: Variant of Uncertain Significance due to insufficient evidence: This missense variant is located in the cytoplasmic domain of the TGFBR2 protein. Computational prediction tools and conservation analyses are inconclusive regarding the impact of this variant on the protein function. Computational splicing tools suggest that this variant may not impact RNA splicing. To our knowledge, functional assays have not been performed for this variant nor has this variant been reported in individuals affected with cardiovascular disorders in the literature. This variant is rare in the general population and has been identified in 0/277264 chromosomes by the Genome Aggregation Database (gnomAD). Available evidence is insufficient to determine the pathogenicity of this variant conclusively.

This study involves interpretation of variants in research participants for the purpose of population health screening. Participant phenotype was not available at the time of variant classification. Additional details can be found in publication PMID: 35346344, PMCID: PMC8962531

Color Diagnostics, LLC DBA Color Health
Classification: Uncertain significance for Familial thoracic aortic aneurysm and aortic dissection. Last evaluated: 2023-10-12. Review status: criteria provided, single submitter. Criteria: ACMG Guidelines, 2015. Collection method: clinical testing. Allele origin: germline.
Comment: This missense variant replaces glutamic acid with lysine at codon 214 of the TGFBR2 protein. Computational prediction suggests that this variant may not impact protein structure and function (internally defined REVEL score threshold <= 0.5, PMID: 27666373). To our knowledge, functional studies have not been reported for this variant. This variant has not been reported in individuals affected with TGFBR2-related disorders in the literature. This variant has not been identified in the general population by the Genome Aggregation Database (gnomAD). The available evidence is insufficient to determine the role of this variant in disease conclusively. Therefore, this variant is classified as a Variant of Uncertain Significance.

Ambry Genetics
Classification: Uncertain significance for Familial thoracic aortic aneurysm and aortic dissection. Last evaluated: 2023-07-30. Review status: criteria provided, single submitter. Criteria: Ambry Variant Classification Scheme 2023. Collection method: clinical testing. Allele origin: germline.
Comment: The p.E214K variant (also known as c.640G>A), located in coding exon 4 of the TGFBR2 gene, results from a G to A substitution at nucleotide position 640. The glutamic acid at codon 214 is replaced by lysine, an amino acid with similar properties. This amino acid position is conserved. In addition, the in silico prediction for this alteration is inconclusive. Since supporting evidence is limited at this time, the clinical significance of this alteration remains unclear.

Labcorp Genetics (formerly Invitae), Labcorp
Classification: Uncertain significance for Familial thoracic aortic aneurysm and aortic dissection. Last evaluated: 2022-09-07. Review status: criteria provided, single submitter. Criteria: Invitae Variant Classification Sherloc (09022015). Collection method: clinical testing. Allele origin: germline.
Comment: This sequence change replaces glutamic acid, which is acidic and polar, with lysine, which is basic and polar, at codon 214 of the TGFBR2 protein (p.Glu214Lys). This variant is not present in population databases (gnomAD no frequency). This variant has not been reported in the literature in individuals affected with TGFBR2-related conditions. ClinVar contains an entry for this variant (Variation ID: 920714). Advanced modeling of protein sequence and biophysical properties (such as structural, functional, and spatial information, amino acid conservation, physicochemical variation, residue mobility, and thermodynamic stability) performed at Invitae indicates that this missense variant is not expected to disrupt TGFBR2 protein function. In summary, the available evidence is currently insufficient to determine the role of this variant in disease. Therefore, it has been classified as a Variant of Uncertain Significance.

NM_003242.6(TGFBR2):c.640G>A (p.Glu214Lys)

Gene: TGFBR2 (transforming growth factor beta receptor 2; plus strand). Cytogenetic location: 3p24.1.
Variant type: single nucleotide variant.
Coding change: c.640G>A on transcript NM_003242.6 (MANE Select); coding-DNA position 640, G replaced by A.
Protein change: p.Glu214Lys; replaces glutamic acid 214 with lysine.
Molecular consequence: missense variant.
Genome position (GRCh38, 1-based): chr3:30,671,823, G>A. VCF-style: chr3-30671823-G-A. GRCh37 (hg19) VCF-style: chr3-30713315-G-A.
Other names: c.715G>A, p.Glu239Lys (NM_001024847.3); c.823G>A, p.Glu275Lys (NM_001407126.1); c.355G>A, p.Glu119Lys (NM_001407137.1); c.280G>A, p.Glu94Lys (NM_001407138.1); c.748G>A, p.Glu250Lys (NM_001407127.1); c.667G>A, p.Glu223Lys (NM_001407128.1); c.643G>A, p.Glu215Lys (NM_001407129.1); c.640G>A, p.Glu214Lys (NM_001407130.1); and 1 more; short protein forms E214K, E239K, E94K, E215K, E223K, E179K, E250K, E119K.
Identifiers: ClinVar variation 920714 (VCV000920714.10), dbSNP rs764821003, ClinGen allele CA049482.